The following is an entry in ClinVar:

ClinVar aggregate classification (germline): Pathogenic (1 of 4 stars; one submission).

Conditions:
Congenital lipoid adrenal hyperplasia due to STAR deficency. Also called: Lipoid adrenal hyperplasia; ADRENAL HYPERPLASIA I; Cholesterol monooxygenase (side-chain cleaving) deficiency; Congenital Lipoid Adrenal Hyperplasia. Identifiers: Orphanet 418, Orphanet 90790, MedGen C0342474, MONDO:0008725, OMIM 201710.

Submission:

Myriad Genetics, Inc.
Classification: Pathogenic for Congenital lipoid adrenal hyperplasia due to STAR deficency. Last evaluated: 2025-09-09. Review status: criteria provided, single submitter. Criteria: Myriad Autosomal Dominant, Autosomal Recessive and X-Linked Classification Criteria (2023). Collection method: clinical testing. Allele origin: unknown.
Comment: NM_000349.2(STAR):c.305delA(Q102Rfs*7) is expected to be pathogenic in the context of lipoid congenital adrenal hyperplasia. This variant is predicted to lead to an abnormal or absent protein product due to the creation of a premature termination codon in STAR, a gene where loss-of-function variants are known to be pathogenic. Please note: this variant was assessed in the context of healthy population screening.

NM_000349.3(STAR):c.305del (p.Gln102fs)

Gene: STAR (steroidogenic acute regulatory protein; minus strand). Cytogenetic location: 8p11.23.
Variant type: Deletion.
Coding change: c.305del on transcript NM_000349.3 (MANE Select); coding-DNA position 305, one base deleted (A; older notation c.305delA).
Protein change: p.Gln102fs; shifts the reading frame from glutamine 102.
Molecular consequence: frameshift variant.
Genome position (GRCh38, 1-based): chr8:38,148,201, T deleted on the plus strand (A on the coding strand, the reverse complement: STAR is on the minus strand). VCF-style (leftmost placement, unchanged base first): chr8-38148200-CT-C. GRCh37 (hg19) VCF-style: chr8-38005718-CT-C.
Other names: short protein forms Q102fs.
Identifiers: ClinVar variation 5014952 (VCV005014952.1).